The following is an entry in ClinVar:

ClinVar aggregate classification (germline): Pathogenic/Likely pathogenic. Review status: criteria provided, multiple submitters, no conflicts (2 of 4 stars). 3 submissions from 3 submitters: Pathogenic (1); Likely pathogenic (2). Last evaluated 2025-02-12.

Conditions:
Emery-Dreifuss muscular dystrophy 4, autosomal dominant (EDMD4). Also called: EMERY-DREIFUSS MUSCULAR DYSTROPHY 4 WITH VARIABLE FEATURES. Identifiers: Orphanet 261, MedGen C2751807, MONDO:0013071, OMIM 612998.
Autosomal recessive ataxia, Beauce type. Also called: ATAXIA, RECESSIVE, OF BEAUCE; Spinocerebellar ataxia, autosomal recessive 8; SYNE1-Related Autosomal Recessive Cerebellar Ataxia; SYNE1 Deficiency. Identifiers: Orphanet 88644, MedGen C1853116, MONDO:0012549, OMIM 610743.
SYNE1-related disorder. Also called: SYNE1-related disorders; SYNE1-related disease; SYNE1-related condition.

gnomAD v4.1: 3 of 1,614,194 alleles (0.00019%); highest among the groups gnomAD compares: Non-Finnish European, 0.00025%; no homozygotes.

Submissions (3):

Revvity Omics, Revvity
Classification: Likely pathogenic. Last evaluated: 2025-02-12. Review status: criteria provided, single submitter. Criteria: ACMG Guidelines, 2015. Collection method: clinical testing. Allele origin: germline.

Labcorp Genetics (formerly Invitae), Labcorp
Classification: Pathogenic for Emery-Dreifuss muscular dystrophy 4, autosomal dominant; Autosomal recessive ataxia, Beauce type. Last evaluated: 2024-04-25. Review status: criteria provided, single submitter. Criteria: Invitae Variant Classification Sherloc (09022015). Collection method: clinical testing. Allele origin: germline.
Comment: This sequence change creates a premature translational stop signal (p.Arg5125*) in the SYNE1 gene. It is expected to result in an absent or disrupted protein product. Loss-of-function variants in SYNE1 are known to be pathogenic (PMID: 19542096, 24319099, 27086870). This variant is not present in population databases (gnomAD no frequency). This variant has not been reported in the literature in individuals affected with SYNE1-related conditions. ClinVar contains an entry for this variant (Variation ID: 2630142). For these reasons, this variant has been classified as Pathogenic.

PreventionGenetics, part of Exact Sciences
Classification: Likely pathogenic for SYNE1-related condition. Last evaluated: 2023-02-09. Review status: criteria provided, single submitter. Criteria: ACMG Guidelines, 2015. Collection method: clinical testing. Allele origin: germline.
Comment: The SYNE1 c.15373C>T variant is predicted to result in premature protein termination (p.Arg5125*). To our knowledge, this variant has not been reported in the literature or in a large population database, indicating this variant is rare. Nonsense variants in SYNE1 are expected to be pathogenic. This variant is interpreted as likely pathogenic.

Literature cited by the submitters: PubMed 19542096 (cited by Labcorp Genetics (formerly Invitae), Labcorp); PubMed 24319099 (cited by Labcorp Genetics (formerly Invitae), Labcorp); PubMed 27086870 (cited by Labcorp Genetics (formerly Invitae), Labcorp).

NM_182961.4(SYNE1):c.15586C>T (p.Arg5196Ter)

Gene: SYNE1 (spectrin repeat containing nuclear envelope protein 1; minus strand). Cytogenetic location: 6q25.2.
Variant type: single nucleotide variant.
Coding change: c.15586C>T on transcript NM_182961.4 (MANE Select); coding-DNA position 15586, C replaced by T.
Protein change: p.Arg5196Ter; replaces arginine 5196 with a stop codon.
Molecular consequence: nonsense.
Genome position (GRCh38, 1-based): chr6:152,325,155, G>A on the plus strand (C>T on the coding strand, the complement: SYNE1 is on the minus strand). VCF-style: chr6-152325155-G-A. GRCh37 (hg19) VCF-style: chr6-152646290-G-A.
Other names: c.15373C>T, p.Arg5125Ter (NM_033071.5); short protein forms R5125*, R5196*.
Identifiers: ClinVar variation 2630142 (VCV002630142.5), dbSNP rs1563075936, ClinGen allele CA366091055.